The following is an entry in ClinVar:

NM_173076.3(ABCA12):c.317+1G>A

Gene: ABCA12 (ATP binding cassette subfamily A member 12; minus strand). Cytogenetic location: 2q35.
Variant type: single nucleotide variant.
Coding change: c.317+1G>A on transcript NM_173076.3 (MANE Select); the canonical splice donor site of the intron after coding-DNA position 317, G replaced by A.
Molecular consequence: splice donor variant.
Genome position (GRCh38, 1-based): chr2:215,064,065, C>T on the plus strand (G>A on the coding strand, the complement: ABCA12 is on the minus strand). VCF-style: chr2-215064065-C-T. GRCh37 (hg19) VCF-style: chr2-215928788-C-T.
Identifiers: ClinVar variation 2820269 (VCV002820269.3), dbSNP rs2469447515, ClinGen allele CA350457929.

ClinVar aggregate classification (germline): Likely pathogenic (1 of 4 stars; one submission).

Submission:

Labcorp Genetics (formerly Invitae), Labcorp
Classification: Likely pathogenic. Last evaluated: 2022-12-12. Review status: criteria provided, single submitter. Criteria: Invitae Variant Classification Sherloc (09022015). Collection method: clinical testing. Allele origin: germline.
Comment: Algorithms developed to predict the effect of sequence changes on RNA splicing suggest that this variant may disrupt the consensus splice site. In summary, the currently available evidence indicates that the variant is pathogenic, but additional data are needed to prove that conclusively. Therefore, this variant has been classified as Likely Pathogenic. This variant has not been reported in the literature in individuals affected with ABCA12-related conditions. This variant is not present in population databases (gnomAD no frequency). This sequence change affects a donor splice site in intron 3 of the ABCA12 gene. It is expected to disrupt RNA splicing. Variants that disrupt the donor or acceptor splice site typically lead to a loss of protein function (PMID: 16199547), and loss-of-function variants in ABCA12 are known to be pathogenic (PMID: 20672373).

Literature cited by the submitters: PubMed 16199547; PubMed 20672373.